The following is an entry in ClinVar:

ClinVar aggregate classification (germline): Uncertain significance (1 of 4 stars; one submission).

Conditions:
BSN-related disorder. Also called: BSN-related condition.

Submission:

PreventionGenetics, part of Exact Sciences
Classification: Uncertain significance for BSN-related condition. Last evaluated: 2025-12-29. Review status: criteria provided, single submitter. Criteria: ACMG Guidelines, 2015. Collection method: clinical testing. Allele origin: germline.
Comment: The BSN c.4294A>G variant is predicted to result in the amino acid substitution p.Thr1432Ala. To our knowledge, this variant has not been reported in the literature or in a large population database (gnomAD), indicating this variant is rare. At this time, the clinical significance of this variant is uncertain due to the absence of conclusive functional and genetic evidence.

NM_003458.4(BSN):c.4294A>G (p.Thr1432Ala)

Gene: BSN (bassoon presynaptic cytomatrix protein; plus strand). Cytogenetic location: 3p21.31.
Variant type: single nucleotide variant.
Coding change: c.4294A>G on transcript NM_003458.4 (MANE Select); coding-DNA position 4294, A replaced by G.
Protein change: p.Thr1432Ala; replaces threonine 1432 with alanine.
Molecular consequence: missense variant.
Genome position (GRCh38, 1-based): chr3:49,653,850, A>G. VCF-style: chr3-49653850-A-G. GRCh37 (hg19) VCF-style: chr3-49691283-A-G.
Other names: short protein forms T1432A.
Identifiers: ClinVar variation 5000106 (VCV005000106.1).